The following is an entry in ClinVar:

NM_001372.4(DNAH9):c.3445A>T (p.Met1149Leu)

Gene: DNAH9 (dynein axonemal heavy chain 9; plus strand). Cytogenetic location: 17p12.
Variant type: single nucleotide variant.
Coding change: c.3445A>T on transcript NM_001372.4 (MANE Select); coding-DNA position 3445, A replaced by T.
Protein change: p.Met1149Leu; replaces methionine 1149 with leucine.
Molecular consequence: missense variant.
Genome position (GRCh38, 1-based): chr17:11,679,848, A>T. VCF-style: chr17-11679848-A-T. GRCh37 (hg19) VCF-style: chr17-11583165-A-T.
Other names: short protein forms M1149L.
Identifiers: ClinVar variation 2769649 (VCV002769649.3), dbSNP rs756774580, ClinGen allele CA8395448.

ClinVar aggregate classification (germline): Uncertain significance (1 of 4 stars; one submission).

Allele frequency attached by ClinVar (database versions not stated): TOPMed 0.00002.

Submission:

Labcorp Genetics (formerly Invitae), Labcorp
Classification: Uncertain significance. Last evaluated: 2023-12-02. Review status: criteria provided, single submitter. Criteria: Invitae Variant Classification Sherloc (09022015). Collection method: clinical testing. Allele origin: germline.
Comment: This sequence change replaces methionine, which is neutral and non-polar, with leucine, which is neutral and non-polar, at codon 1149 of the DNAH9 protein (p.Met1149Leu). This variant is present in population databases (rs756774580, gnomAD 0.007%). This variant has not been reported in the literature in individuals affected with DNAH9-related conditions. Advanced modeling of protein sequence and biophysical properties (such as structural, functional, and spatial information, amino acid conservation, physicochemical variation, residue mobility, and thermodynamic stability) performed at Invitae indicates that this missense variant is not expected to disrupt DNAH9 protein function with a negative predictive value of 80%. In summary, the available evidence is currently insufficient to determine the role of this variant in disease. Therefore, it has been classified as a Variant of Uncertain Significance.